The following is an entry in ClinVar:

NM_020890.3(CIP2A):c.1114-6C>A

Gene: CIP2A (cellular inhibitor of PP2A; minus strand). Cytogenetic location: 3q13.13.
Variant type: single nucleotide variant.
Coding change: c.1114-6C>A on transcript NM_020890.3 (MANE Select); 6 bases into the intron before coding-DNA position 1114, C replaced by A.
Molecular consequence: intron variant.
Genome position (GRCh38, 1-based): chr3:108,568,320, G>T on the plus strand (C>A on the coding strand, the complement: CIP2A is on the minus strand). VCF-style: chr3-108568320-G-T. GRCh37 (hg19) VCF-style: chr3-108287167-G-T.
Identifiers: ClinVar variation 2654026 (VCV002654026.24), dbSNP rs377322929, ClinGen allele CA2529611.
Genomic context (GRCh38, chr3:108,568,320, plus strand): 5'-GCAGAAGGGTCACAAAACGATCAGCCGAGGAACAGTTAGCAGCATCTATGACATCCTGGA[G>T]AATTATCCATCACAAATGATTAAAAGCAAAGATGGAATATACAATACAGAAAAAGTCATC-3'

ClinVar aggregate classification (germline): Likely benign (1 of 4 stars; one submission).

Allele frequency attached by ClinVar (database versions not stated): 1000 Genomes Project 30x 0.00016; 1000 Genomes Project 0.00020; ESP Exome Variant Server 0.00046.

Submission:

CeGaT Center for Human Genetics Tuebingen
Classification: Likely benign. Last evaluated: 2022-07-01. Review status: criteria provided, single submitter. Criteria: CeGaT Center For Human Genetics Tuebingen Variant Classification Criteria Version 2. Collection method: clinical testing. Allele origin: germline. Affected: yes. Observed: 1 variant allele.
Comment: CIP2A: BP4